The following is an entry in ClinVar:

NM_001364905.1(LRBA):c.4118G>C (p.Gly1373Ala)

Gene: LRBA (LPS responsive beige-like anchor protein; minus strand). Cytogenetic location: 4q31.3.
Variant type: single nucleotide variant.
Coding change: c.4118G>C on transcript NM_001364905.1 (MANE Select); coding-DNA position 4118, G replaced by C.
Protein change: p.Gly1373Ala; replaces glycine 1373 with alanine.
Molecular consequence: missense variant.
Genome position (GRCh38, 1-based): chr4:150,849,462, C>G on the plus strand (G>C on the coding strand, the complement: LRBA is on the minus strand). VCF-style: chr4-150849462-C-G. GRCh37 (hg19) VCF-style: chr4-151770614-C-G.
Other names: c.4118G>C, p.Gly1373Ala (NM_001199282.3, NM_001367550.1, NM_006726.5); short protein forms G1373A.
Identifiers: ClinVar variation 1022865 (VCV001022865.8), dbSNP rs772340784, ClinGen allele CA3102897.

ClinVar aggregate classification (germline): Uncertain significance (1 of 4 stars; one submission).

Conditions:
Combined immunodeficiency due to LRBA deficiency. Also called: Common variable immunodeficiency 8, with autoimmunity. Identifiers: Orphanet 445018, MedGen C3553512, MONDO:0013863, OMIM 614700.

Allele frequency attached by ClinVar (database versions not stated): gnomAD exomes below 0.00001; TOPMed below 0.00001; ExAC 0.00001; gnomAD 0.00001.
gnomAD v4.1: 2 of 1,613,704 alleles (0.00012%); highest among the groups gnomAD compares: African/African-American, 0.0013%; no homozygotes.

Submission:

Labcorp Genetics (formerly Invitae), Labcorp
Classification: Uncertain significance for Combined immunodeficiency due to LRBA deficiency. Last evaluated: 2022-02-04. Review status: criteria provided, single submitter. Criteria: Invitae Variant Classification Sherloc (09022015). Collection method: clinical testing. Allele origin: germline.
Comment: Algorithms developed to predict the effect of missense changes on protein structure and function are either unavailable or do not agree on the potential impact of this missense change (SIFT: "Deleterious"; PolyPhen-2: "Probably Damaging"; Align-GVGD: "Class C0"). In summary, the available evidence is currently insufficient to determine the role of this variant in disease. Therefore, it has been classified as a Variant of Uncertain Significance. ClinVar contains an entry for this variant (Variation ID: 1022865). This variant has not been reported in the literature in individuals affected with LRBA-related conditions. The frequency data for this variant in the population databases is considered unreliable, as metrics indicate poor data quality at this position in the gnomAD database. This sequence change replaces glycine, which is neutral and non-polar, with alanine, which is neutral and non-polar, at codon 1373 of the LRBA protein (p.Gly1373Ala).